The following is an entry in ClinVar:

ClinVar aggregate classification (germline): Uncertain significance (1 of 4 stars; one submission).

Submission:

Labcorp Genetics (formerly Invitae), Labcorp
Classification: Uncertain significance. Last evaluated: 2019-06-21. Review status: criteria provided, single submitter. Criteria: Invitae Variant Classification Sherloc (09022015). Collection method: clinical testing. Allele origin: germline.
Comment: In summary, the available evidence is currently insufficient to determine the role of this variant in disease. Therefore, it has been classified as a Variant of Uncertain Significance. Algorithms developed to predict the effect of missense changes on protein structure and function are either unavailable or do not agree on the potential impact of this missense change (SIFT: "Tolerated"; PolyPhen-2: "Possibly Damaging"; Align-GVGD: "Class C0"). This variant has not been reported in the literature in individuals with POLE-related conditions. This variant is not present in population databases (ExAC no frequency). This sequence change replaces isoleucine with methionine at codon 2157 of the POLE protein (p.Ile2157Met). The isoleucine residue is moderately conserved and there is a small physicochemical difference between isoleucine and methionine.

NM_006231.4(POLE):c.6471C>G (p.Ile2157Met)

Gene: POLE (DNA polymerase epsilon, catalytic subunit; minus strand). Cytogenetic location: 12q24.33.
Variant type: single nucleotide variant.
Coding change: c.6471C>G on transcript NM_006231.4 (MANE Select); coding-DNA position 6471, C replaced by G.
Protein change: p.Ile2157Met; replaces isoleucine 2157 with methionine.
Molecular consequence: missense variant.
Genome position (GRCh38, 1-based): chr12:132,626,177, G>C on the plus strand (C>G on the coding strand, the complement: POLE is on the minus strand). VCF-style: chr12-132626177-G-C. GRCh37 (hg19) VCF-style: chr12-133202763-G-C.
Other names: short protein forms I2157M.
Identifiers: ClinVar variation 943458 (VCV000943458.9), dbSNP rs1478004242, ClinGen allele CA387367401.